The following is an entry in ClinVar:

ClinVar aggregate classification (germline): Likely pathogenic. Review status: criteria provided, multiple submitters, no conflicts (2 of 4 stars). 2 submissions from 2 submitters: Likely pathogenic (2). Last evaluated 2021-07-27.

Conditions:
Polycystic kidney disease, adult type (PKD1). Also called: POLYCYSTIC KIDNEY DISEASE 1 WITH OR WITHOUT POLYCYSTIC LIVER DISEASE; POLYCYSTIC KIDNEY DISEASE, ADULT, TYPE I; Polycystic Kidney Disease 1, Autosomal Dominant; Polycystic kidney disease 1; Polycystic kidney disease 1, severe; Polycystic Kidney, Autosomal Dominant. Identifiers: MedGen C3149841, MONDO:0008263, OMIM 173900.

Submissions (2):

Revvity Omics, Revvity
Classification: Likely pathogenic for Polycystic kidney disease, adult type. Last evaluated: 2021-07-27. Review status: criteria provided, single submitter. Criteria: ACMG Guidelines, 2015. Collection method: clinical testing. Allele origin: germline.

Fulgent Genetics
Classification: Likely pathogenic for Polycystic kidney disease, adult type. Last evaluated: 2021-06-30. Review status: criteria provided, single submitter. Criteria: ACMG Guidelines, 2015. Collection method: clinical testing. Allele origin: unknown.
Comment: This variant has been detected in individual(s) who were sent for testing of Renasight - kidney gene panel.

NM_001009944.3(PKD1):c.11537+2T>A

Genes: PKD1 (polycystin 1, transient receptor potential channel interacting; minus strand), PKD1-AS1 (PKD1 antisense RNA 1; plus strand). Cytogenetic location: 16p13.3.
Variant type: single nucleotide variant.
Coding change: c.11537+2T>A on transcript NM_001009944.3 (MANE Select); the canonical splice donor site of the intron after coding-DNA position 11537, T replaced by A.
Molecular consequence: splice donor variant.
Genome position (GRCh38, 1-based): chr16:2,091,779, A>T on the plus strand (T>A on the coding strand, the complement: PKD1 is on the minus strand). VCF-style: chr16-2091779-A-T. GRCh37 (hg19) VCF-style: chr16-2141780-A-T.
Other names: c.11534+2T>A (NM_000296.4).
Identifiers: ClinVar variation 1179205 (VCV001179205.6), dbSNP rs2151697557, ClinGen allele CA394332340.